The following is an entry in ClinVar:

NM_014014.5(SNRNP200):c.3480G>C (p.Glu1160Asp)

Gene: SNRNP200 (small nuclear ribonucleoprotein U5 subunit 200; minus strand). Cytogenetic location: 2q11.2.
Variant type: single nucleotide variant.
Coding change: c.3480G>C on transcript NM_014014.5 (MANE Select); coding-DNA position 3480, G replaced by C.
Protein change: p.Glu1160Asp; replaces glutamic acid 1160 with aspartic acid.
Molecular consequence: missense variant.
Genome position (GRCh38, 1-based): chr2:96,287,443, C>G on the plus strand (G>C on the coding strand, the complement: SNRNP200 is on the minus strand). VCF-style: chr2-96287443-C-G. GRCh37 (hg19) VCF-style: chr2-96953181-C-G.
Other names: short protein forms E1160D.
Identifiers: ClinVar variation 2008764 (VCV002008764.4), dbSNP rs2467329854, ClinGen allele CA347672560.

ClinVar aggregate classification (germline): Uncertain significance (1 of 4 stars; one submission).

Submission:

Labcorp Genetics (formerly Invitae), Labcorp
Classification: Uncertain significance. Last evaluated: 2022-06-20. Review status: criteria provided, single submitter. Criteria: Invitae Variant Classification Sherloc (09022015). Collection method: clinical testing. Allele origin: germline.
Comment: This sequence change replaces glutamic acid, which is acidic and polar, with aspartic acid, which is acidic and polar, at codon 1160 of the SNRNP200 protein (p.Glu1160Asp). This variant is not present in population databases (gnomAD no frequency). This variant has not been reported in the literature in individuals affected with SNRNP200-related conditions. Algorithms developed to predict the effect of missense changes on protein structure and function are either unavailable or do not agree on the potential impact of this missense change (SIFT: "Tolerated"; PolyPhen-2: "Possibly Damaging"; Align-GVGD: "Class C0"). In summary, the available evidence is currently insufficient to determine the role of this variant in disease. Therefore, it has been classified as a Variant of Uncertain Significance.